The following is an entry in ClinVar:

ClinVar aggregate classification (germline): Uncertain significance (1 of 4 stars; one submission).

Allele frequency attached by ClinVar (database versions not stated): gnomAD exomes below 0.00001; gnomAD 0.00001.
gnomAD v4.1: 2 of 1,613,556 alleles (0.00012%); highest among the groups gnomAD compares: Admixed American, 0.0017%; no homozygotes.

Submission:

Labcorp Genetics (formerly Invitae), Labcorp
Classification: Uncertain significance. Last evaluated: 2022-02-23. Review status: criteria provided, single submitter. Criteria: Invitae Variant Classification Sherloc (09022015). Collection method: clinical testing. Allele origin: germline.
Comment: In summary, the available evidence is currently insufficient to determine the role of this variant in disease. Therefore, it has been classified as a Variant of Uncertain Significance. Algorithms developed to predict the effect of missense changes on protein structure and function are either unavailable or do not agree on the potential impact of this missense change (SIFT: "Deleterious"; PolyPhen-2: "Probably Damaging"; Align-GVGD: "Class C15"). ClinVar contains an entry for this variant (Variation ID: 858219). This variant has not been reported in the literature in individuals affected with CACNA2D4-related conditions. This variant is not present in population databases (gnomAD no frequency). This sequence change replaces phenylalanine, which is neutral and non-polar, with leucine, which is neutral and non-polar, at codon 234 of the CACNA2D4 protein (p.Phe234Leu).

NM_172364.5(CACNA2D4):c.700T>C (p.Phe234Leu)

Gene: CACNA2D4 (calcium voltage-gated channel auxiliary subunit alpha2delta 4; minus strand). Cytogenetic location: 12p13.33.
Variant type: single nucleotide variant.
Coding change: c.700T>C on transcript NM_172364.5 (MANE Select); coding-DNA position 700, T replaced by C.
Protein change: p.Phe234Leu; replaces phenylalanine 234 with leucine.
Molecular consequence: missense variant.
Genome position (GRCh38, 1-based): chr12:1,907,521, A>G on the plus strand (T>C on the coding strand, the complement: CACNA2D4 is on the minus strand). VCF-style: chr12-1907521-A-G. GRCh37 (hg19) VCF-style: chr12-2016687-A-G.
Other names: short protein forms F234L.
Identifiers: ClinVar variation 858219 (VCV000858219.9), dbSNP rs1866687612, ClinGen allele CA383363907.